The following is an entry in ClinVar:

ClinVar aggregate classification (germline): Uncertain significance (1 of 4 stars; one submission).

Conditions:
Aromatase deficiency. Also called: Increased aromatase activity; PSEUDOHERMAPHRODITISM, FEMALE, DUE TO PLACENTAL AROMATASE DEFICIENCY. Identifiers: Orphanet 91, MedGen C1960539, MONDO:0013301, OMIM 613546.

Allele frequency attached by ClinVar (database versions not stated): TOPMed 0.00005; gnomAD 0.00005.

Submission:

Broad Center for Mendelian Genomics, Broad Institute of MIT and Harvard
Classification: Uncertain significance for Aromatase deficiency. Last evaluated: 2026-03-05. Review status: criteria provided, single submitter. Criteria: ACMG Guidelines, 2015. Collection method: research. Allele origin: germline. Inheritance: Autosomal recessive inheritance. Study: GREGoR Consortium.
Comment: The c.-39+1G>A variant in CYP19Al has not been previously reported in individuals with aromatase deficiency but has been identified in 0.014% {6/41440) of African/African American chromosomes by gnomAD. This variant has also been reported in ClinVar (Variation ID: 631737). This variant occurs within the canonical splice site(+/- 1,2) of a noncoding exon of CYP19Al and is predicted to cause altered splicing. However, the functional impact of altered splicing of a noncoding region remains unclear. In summary, while there is suspicion for a pathogenic role, the clinical significance of this variant is uncertain. ACMG/AMP Criteria applied: PM3, PP1, PP4, PM2_supporting.

NM_000103.4(CYP19A1):c.-39+1G>A

Gene: CYP19A1 (cytochrome P450 family 19 subfamily A member 1; minus strand). Cytogenetic location: 15q21.2.
Variant type: single nucleotide variant.
Coding change: c.-39+1G>A on transcript NM_000103.4 (MANE Select); the canonical splice donor site of the intron after 39 bases upstream of the start codon, G replaced by A.
Molecular consequence: splice donor variant.
Genome position (GRCh38, 1-based): chr15:51,338,494, C>T on the plus strand (G>A on the coding strand, the complement: CYP19A1 is on the minus strand). VCF-style: chr15-51338494-C-T. GRCh37 (hg19) VCF-style: chr15-51630691-C-T.
Other names: c.-148+1G>A (NM_031226.3).
Identifiers: ClinVar variation 4819585 (VCV004819585.1), dbSNP rs956997586.